The following is an entry in ClinVar:

NM_005188.4(CBL):c.1816A>C (p.Ser606Arg)

Gene: CBL (Cbl proto-oncogene; plus strand). Cytogenetic location: 11q23.3.
Variant type: single nucleotide variant.
Coding change: c.1816A>C on transcript NM_005188.4 (MANE Select); coding-DNA position 1816, A replaced by C.
Protein change: p.Ser606Arg; replaces serine 606 with arginine.
Molecular consequence: missense variant.
Genome position (GRCh38, 1-based): chr11:119,285,441, A>C. VCF-style: chr11-119285441-A-C. GRCh37 (hg19) VCF-style: chr11-119156151-A-C.
Other names: short protein forms S606R.
Identifiers: ClinVar variation 3996065 (VCV003996065.1).

ClinVar aggregate classification (germline): Uncertain significance (1 of 4 stars; one submission).

Conditions:
Cardiovascular phenotype. Identifiers: MedGen CN230736.

Submission:

Ambry Genetics
Classification: Uncertain significance for Cardiovascular phenotype. Last evaluated: 2025-05-19. Review status: criteria provided, single submitter. Criteria: Ambry Variant Classification Scheme 2023. Collection method: clinical testing. Allele origin: germline.
Comment: The p.S606R variant (also known as c.1816A>C), located in coding exon 11 of the CBL gene, results from an A to C substitution at nucleotide position 1816. The serine at codon 606 is replaced by arginine, an amino acid with dissimilar properties. This amino acid position is conserved. In addition, this alteration is predicted to be tolerated by in silico analysis. Based on the available evidence, the clinical significance of this variant remains unclear.